The following is an entry in ClinVar:

NM_025114.4(CEP290):c.5468A>G (p.Asn1823Ser)

Gene: CEP290 (centrosomal protein 290; minus strand). Cytogenetic location: 12q21.32.
Variant type: single nucleotide variant.
Coding change: c.5468A>G on transcript NM_025114.4 (MANE Select); coding-DNA position 5468, A replaced by G.
Protein change: p.Asn1823Ser; replaces asparagine 1823 with serine.
Molecular consequence: missense variant.
Genome position (GRCh38, 1-based): chr12:88,077,815, T>C on the plus strand (A>G on the coding strand, the complement: CEP290 is on the minus strand). VCF-style: chr12-88077815-T-C. GRCh37 (hg19) VCF-style: chr12-88471592-T-C.
Other names: c.5468A>G (NM_025114.3); short protein forms N1823S.
Identifiers: ClinVar variation 2188936 (VCV002188936.2), dbSNP rs769247579, ClinGen allele CA6711712.

ClinVar aggregate classification (germline): Uncertain significance. Review status: criteria provided, multiple submitters, no conflicts (2 of 4 stars). 2 submissions from 2 submitters: Uncertain significance (2). Last evaluated 2026-09-15.

Conditions:
CEP290-related disorder. Also called: CEP290-related condition; CEP290-related disorders. Identifiers: MedGen CN239314.
Nephronophthisis. Also called: Juvenile Nephronophthisis. Identifiers: Orphanet 655, MedGen C0687120, MONDO:0019005, HP:0000090.
Meckel-Gruber syndrome. Also called: DYSENCEPHALIA SPLANCHNOCYSTICA; GRUBER SYNDROME; Dysencephalia splachnocystica. Identifiers: Orphanet 564, MedGen C0265215, MONDO:0018921.
Joubert syndrome. Also called: JOUBERT-BOLTSHAUSER SYNDROME; Familial aplasia of the vermis. Identifiers: Orphanet 475, MedGen C5979921, MONDO:0018772.

Allele frequency attached by ClinVar (database versions not stated): gnomAD exomes below 0.00001; ExAC 0.00001.
gnomAD v4.1: 1 of 1,537,674 alleles (0.000065%); highest among the groups gnomAD compares: Non-Finnish European, 0.000089%; no homozygotes.

Submissions (2):

PreventionGenetics, part of Exact Sciences
Classification: Uncertain significance for CEP290-related condition. Last evaluated: 2026-09-15. Review status: criteria provided, single submitter. Criteria: ACMG Guidelines, 2015. Collection method: clinical testing. Allele origin: germline.
Comment: The CEP290 c.5468A>G variant is predicted to result in the amino acid substitution p.Asn1823Ser. To our knowledge, this variant has not been reported in the literature. This variant is reported in 0.0021% of alleles in individuals of European (Non-Finnish) descent in gnomAD. At this time, the clinical significance of this variant is uncertain due to the absence of conclusive functional and genetic evidence.

Labcorp Genetics (formerly Invitae), Labcorp
Classification: Uncertain significance for Joubert syndrome; Meckel-Gruber syndrome; Nephronophthisis. Last evaluated: 2021-12-05. Review status: criteria provided, single submitter. Criteria: Invitae Variant Classification Sherloc (09022015). Collection method: clinical testing. Allele origin: germline.
Comment: This sequence change replaces asparagine, which is neutral and polar, with serine, which is neutral and polar, at codon 1823 of the CEP290 protein (p.Asn1823Ser). This variant is present in population databases (rs769247579, gnomAD 0.002%). This variant has not been reported in the literature in individuals affected with CEP290-related conditions. Algorithms developed to predict the effect of missense changes on protein structure and function (SIFT, PolyPhen-2, Align-GVGD) all suggest that this variant is likely to be tolerated. In summary, the available evidence is currently insufficient to determine the role of this variant in disease. Therefore, it has been classified as a Variant of Uncertain Significance.